The following is an entry in ClinVar:

NM_001378615.1(CC2D2A):c.2170T>A (p.Leu724Ile)

Genes: CC2D2A (coiled-coil and C2 domain containing 2A; plus strand), FBXL5 (F-box and leucine rich repeat protein 5; minus strand). Cytogenetic location: 4p15.32.
Variant type: single nucleotide variant.
Coding change: c.2170T>A on transcript NM_001378615.1 (MANE Select); coding-DNA position 2170, T replaced by A.
Protein change: p.Leu724Ile; replaces leucine 724 with isoleucine.
Molecular consequence: missense variant.
Genome position (GRCh38, 1-based): chr4:15,541,003, T>A. VCF-style: chr4-15541003-T-A. GRCh37 (hg19) VCF-style: chr4-15542626-T-A.
Other names: c.2170T>A, p.Leu724Ile (NM_001080522.2); c.2023T>A, p.Leu675Ile (NM_001378617.1); short protein forms L675I, L724I.
Identifiers: ClinVar variation 1019167 (VCV001019167.9), dbSNP rs1718404801, ClinGen allele CA356414261.

ClinVar aggregate classification (germline): Uncertain significance (1 of 4 stars; one submission).

Conditions:
Joubert syndrome. Also called: JOUBERT-BOLTSHAUSER SYNDROME; Familial aplasia of the vermis. Identifiers: Orphanet 475, MedGen C5979921, MONDO:0018772.
Meckel-Gruber syndrome. Also called: Dysencephalia splachnocystica; DYSENCEPHALIA SPLANCHNOCYSTICA; GRUBER SYNDROME. Identifiers: Orphanet 564, MedGen C0265215, MONDO:0018921.

Submission:

Labcorp Genetics (formerly Invitae), Labcorp
Classification: Uncertain significance for Joubert syndrome; Meckel-Gruber syndrome. Last evaluated: 2022-09-26. Review status: criteria provided, single submitter. Criteria: Invitae Variant Classification Sherloc (09022015). Collection method: clinical testing. Allele origin: germline.
Comment: This sequence change replaces leucine, which is neutral and non-polar, with isoleucine, which is neutral and non-polar, at codon 724 of the CC2D2A protein (p.Leu724Ile). This variant is not present in population databases (gnomAD no frequency). This variant has not been reported in the literature in individuals affected with CC2D2A-related conditions. ClinVar contains an entry for this variant (Variation ID: 1019167). Advanced modeling of protein sequence and biophysical properties (such as structural, functional, and spatial information, amino acid conservation, physicochemical variation, residue mobility, and thermodynamic stability) performed at Invitae indicates that this missense variant is not expected to disrupt CC2D2A protein function. In summary, the available evidence is currently insufficient to determine the role of this variant in disease. Therefore, it has been classified as a Variant of Uncertain Significance.